The following is an entry in ClinVar:

ClinVar aggregate classification (germline): Likely benign. Review status: criteria provided, multiple submitters, no conflicts (2 of 4 stars). 6 submissions from 6 submitters: Likely benign (6). Last evaluated 2025-11-17.

Conditions:
Inborn genetic diseases. Identifiers: MedGen C0950123, MeSH D030342.
Developmental and epileptic encephalopathy, 18 (DEE18). Also called: Early infantile epileptic encephalopathy 18. Identifiers: Orphanet 369894, MedGen C3809624, MONDO:0014201, OMIM 615476.

Allele frequency attached by ClinVar (database versions not stated): TOPMed 0.00006; ExAC 0.00007; gnomAD 0.00009; gnomAD exomes 0.00009 and 0.00014.
gnomAD v4.1: 215 of 1,614,140 alleles (0.013%); highest among the groups gnomAD compares: Non-Finnish European, 0.017%; no homozygotes.

Submissions (6):

Labcorp Genetics (formerly Invitae), Labcorp
Classification: Likely benign. Last evaluated: 2025-11-17. Review status: criteria provided, single submitter. Criteria: Invitae Variant Classification Sherloc (09022015). Collection method: clinical testing. Allele origin: germline.

Blueprint Genetics
Classification: Likely benign. Last evaluated: 2024-11-25. Review status: criteria provided, single submitter. Criteria: ACMG Guidelines, 2015. Collection method: clinical testing. Allele origin: germline.

CeGaT Center for Human Genetics Tuebingen
Classification: Likely benign. Last evaluated: 2024-02-01. Review status: criteria provided, single submitter. Criteria: CeGaT Center For Human Genetics Tuebingen Variant Classification Criteria Version 2. Collection method: clinical testing. Allele origin: germline. Affected: yes. Observed: 1 variant allele.
Comment: SZT2: BP4, BP7

Genome-Nilou Lab
Classification: Likely benign for Developmental and epileptic encephalopathy, 18. Last evaluated: 2023-04-11. Review status: criteria provided, single submitter. Criteria: ACMG Guidelines, 2015. Collection method: clinical testing. Allele origin: germline. Affected: no.

Ambry Genetics
Classification: Likely benign for Inborn genetic diseases. Last evaluated: 2018-12-21. Review status: criteria provided, single submitter. Criteria: Ambry Variant Classification Scheme 2023. Collection method: clinical testing. Allele origin: germline.

GeneDx
Classification: Likely benign. Last evaluated: 2018-10-08. Review status: criteria provided, single submitter. Criteria: GeneDx Variant Classification Process June 2021. Collection method: clinical testing. Allele origin: germline. Affected: yes.

NM_001365999.1(SZT2):c.5142C>T (p.Ile1714=)

Gene: SZT2 (SZT2 subunit of KICSTOR complex; plus strand). Cytogenetic location: 1p34.2.
Variant type: single nucleotide variant.
Coding change: c.5142C>T on transcript NM_001365999.1 (MANE Select); coding-DNA position 5142, C replaced by T.
Protein change: p.Ile1714=; no amino-acid change (isoleucine 1714 retained).
Molecular consequence: synonymous variant.
Genome position (GRCh38, 1-based): chr1:43,431,769, C>T. VCF-style: chr1-43431769-C-T. GRCh37 (hg19) VCF-style: chr1-43897440-C-T.
Other names: c.4971C>T, p.Ile1657= (NM_015284.4).
Identifiers: ClinVar variation 696230 (VCV000696230.38), dbSNP rs756050426, ClinGen allele CA809496.